The following is an entry in ClinVar:

NM_004311.4(ARL3):c.215G>A (p.Arg72Lys)

Gene: ARL3 (ARF like GTPase 3; minus strand). Cytogenetic location: 10q24.32.
Variant type: single nucleotide variant.
Coding change: c.215G>A on transcript NM_004311.4 (MANE Select); coding-DNA position 215, G replaced by A.
Protein change: p.Arg72Lys; replaces arginine 72 with lysine.
Molecular consequence: missense variant.
Genome position (GRCh38, 1-based): chr10:102,699,422, C>T on the plus strand (G>A on the coding strand, the complement: ARL3 is on the minus strand). VCF-style: chr10-102699422-C-T. GRCh37 (hg19) VCF-style: chr10-104459179-C-T.
Other names: short protein forms R72K.
Identifiers: ClinVar variation 965940 (VCV000965940.10), dbSNP rs142888126, ClinGen allele CA5668495.

ClinVar aggregate classification (germline): Uncertain significance (1 of 4 stars; one submission).

Allele frequency attached by ClinVar (database versions not stated): TOPMed below 0.00001; gnomAD 0.00001; gnomAD exomes 0.00001; ExAC 0.00003; ESP Exome Variant Server 0.00008.
gnomAD v4.1: 12 of 1,612,958 alleles (0.00074%); highest among the groups gnomAD compares: Non-Finnish European, 0.001%; no homozygotes.

Submission:

Labcorp Genetics (formerly Invitae), Labcorp
Classification: Uncertain significance. Last evaluated: 2025-07-27. Review status: criteria provided, single submitter. Criteria: Invitae Variant Classification Sherloc (09022015). Collection method: clinical testing. Allele origin: germline.
Comment: This sequence change replaces arginine, which is basic and polar, with lysine, which is basic and polar, at codon 72 of the ARL3 protein (p.Arg72Lys). This variant is present in population databases (rs142888126, gnomAD 0.003%). This variant has not been reported in the literature in individuals affected with ARL3-related conditions. ClinVar contains an entry for this variant (Variation ID: 965940). An algorithm developed to predict the effect of missense changes on protein structure and function (PolyPhen-2) suggests that this variant is likely to be tolerated. In summary, the available evidence is currently insufficient to determine the role of this variant in disease. Therefore, it has been classified as a Variant of Uncertain Significance.